The following is an entry in ClinVar:

ClinVar aggregate classification (germline): Uncertain significance (1 of 4 stars; one submission).

Conditions:
Catecholaminergic polymorphic ventricular tachycardia 1. Also called: VENTRICULAR TACHYCARDIA, STRESS-INDUCED POLYMORPHIC 1; VENTRICULAR TACHYCARDIA, CATECHOLAMINERGIC POLYMORPHIC, 1, WITH OR WITHOUT ATRIAL DYSFUNCTION AND/OR DILATED CARDIOMYOPATHY; RYR2-Related Catecholaminergic Polymorphic Ventricular Tachycardia. Identifiers: Orphanet 3286, MedGen C1631597, MONDO:0011484, OMIM 604772.

Submission:

Labcorp Genetics (formerly Invitae), Labcorp
Classification: Uncertain significance for Catecholaminergic polymorphic ventricular tachycardia 1. Last evaluated: 2025-04-07. Review status: criteria provided, single submitter. Criteria: Invitae Variant Classification Sherloc (09022015). Collection method: clinical testing. Allele origin: germline.
Comment: This sequence change replaces glycine, which is neutral and non-polar, with cysteine, which is neutral and slightly polar, at codon 1275 of the RYR2 protein (p.Gly1275Cys). This variant is not present in population databases (gnomAD no frequency). This variant has not been reported in the literature in individuals affected with RYR2-related conditions. ClinVar contains an entry for this variant (Variation ID: 3620652). Invitae Evidence Modeling of protein sequence and biophysical properties (such as structural, functional, and spatial information, amino acid conservation, physicochemical variation, residue mobility, and thermodynamic stability) indicates that this missense variant is expected to disrupt RYR2 protein function with a positive predictive value of 95%. In summary, the available evidence is currently insufficient to determine the role of this variant in disease. Therefore, it has been classified as a Variant of Uncertain Significance.

NM_001035.3(RYR2):c.3823G>T (p.Gly1275Cys)

Genes: RYR2 (ryanodine receptor 2; plus strand), LOC126806067 (BRD4-independent group 4 enhancer GRCh37_chr1:237753258-237754457; plus strand). Cytogenetic location: 1q43.
Variant type: single nucleotide variant.
Coding change: c.3823G>T on transcript NM_001035.3 (MANE Select); coding-DNA position 3823, G replaced by T.
Protein change: p.Gly1275Cys; replaces glycine 1275 with cysteine.
Molecular consequence: missense variant.
Genome position (GRCh38, 1-based): chr1:237,590,655, G>T. VCF-style: chr1-237590655-G-T. GRCh37 (hg19) VCF-style: chr1-237753955-G-T.
Other names: short protein forms G1275C.
Identifiers: ClinVar variation 3620652 (VCV003620652.2).